The following is an entry in ClinVar:

NM_001009944.3(PKD1):c.5517G>C (p.Trp1839Cys)

Gene: PKD1 (polycystin 1, transient receptor potential channel interacting; minus strand). Cytogenetic location: 16p13.3.
Variant type: single nucleotide variant.
Coding change: c.5517G>C on transcript NM_001009944.3 (MANE Select); coding-DNA position 5517, G replaced by C.
Protein change: p.Trp1839Cys; replaces tryptophan 1839 with cysteine.
Molecular consequence: missense variant.
Genome position (GRCh38, 1-based): chr16:2,109,650, C>G on the plus strand (G>C on the coding strand, the complement: PKD1 is on the minus strand). VCF-style: chr16-2109650-C-G. GRCh37 (hg19) VCF-style: chr16-2159651-C-G.
Other names: c.5517G>C, p.Trp1839Cys (NM_000296.4); short protein forms W1839C.
Identifiers: ClinVar variation 4891485 (VCV004891485.2).

ClinVar aggregate classification (germline): Conflicting classifications of pathogenicity. Review status: criteria provided, conflicting classifications (1 of 4 stars). 2 submissions from 2 submitters: Likely pathogenic (1); Uncertain significance (1). Last evaluated 2026-09-17.

Conditions:
PKD1-related disorder. Also called: PKD1-related condition.

Submissions (2):

PreventionGenetics, part of Exact Sciences
Classification: Likely pathogenic for PKD1-related condition. Last evaluated: 2026-09-17. Review status: criteria provided, single submitter. Criteria: ACMG Guidelines, 2015. Collection method: clinical testing. Allele origin: germline.
Comment: The PKD1 c.5517G>C variant is predicted to result in the amino acid substitution p.Trp1839Cys. This variant was reported in an individual with autosomal dominant polycystic kidney disease (ADPKD) (Table S1 of Kimura et al. 2023. PubMed ID: 37509056). In addition, the same amino acid change resulted from a different nucleotide substitution (c.5517G>T, p.Trp1839Cys) has been reported in a patient and the affected parent with ADPKD (Patient 21, Audrézet et al. 2016. PubMed ID: 26139440). Moreover, a different substitution at the same codon (c.5515T>A, p.Trp1839Arg) has been reported in individuals with ADPKD (Patient K81 of Zacchia et al. 2021. PubMed ID: 33964006 and Suppl. Table S4 of Carrera et al. 2016. PubMed ID: 27499327). The c.5517G>C (p.Trp1839Cys) variant has not been reported in a large population database (gnomAD), indicating this variant is rare. This variant is interpreted as likely pathogenic.

GeneDx
Classification: Uncertain significance. Last evaluated: 2026-02-20. Review status: criteria provided, single submitter. Criteria: GeneDx Variant Classification Process June 2021. Collection method: clinical testing. Allele origin: germline.
Comment: Not observed at significant frequency in large population cohorts (gnomAD); In silico analysis supports that this missense variant has a deleterious effect on protein structure/function; Has not been previously published as pathogenic or benign to our knowledge